The following is an entry in ClinVar:

ClinVar aggregate classification (germline): Conflicting classifications of pathogenicity. Review status: criteria provided, conflicting classifications (1 of 4 stars). 6 submissions from 4 submitters: Uncertain significance (3); Benign (1); Likely benign (1). 1 of the submissions does not count toward it. Last evaluated 2026-02-02.

Conditions:
Weill-Marchesani syndrome 3 (WMS3). Also called: LTBP2-Related Weill-Marchesani Syndrome; Weill-Marchesani syndrome 3, recessive. Identifiers: Orphanet 3449, MedGen C3553785, MONDO:0013899, OMIM 614819.
Glaucoma 3, primary congenital, D. Identifiers: Orphanet 98976, MedGen C2751316, MONDO:0013122, OMIM 613086.
Microspherophakia and/or megalocornea, with ectopia lentis and with or without secondary glaucoma (MSPKA). Identifiers: Orphanet 238763, MedGen C3538951, MONDO:0009633, OMIM 251750.
LTBP2-related disorder. Also called: LTBP2-related disorders; LTBP2-related condition.
Microspherophakia. Identifiers: MedGen C1562061, HP:0030961.

Submissions (6):

Labcorp Genetics (formerly Invitae), Labcorp
Classification: Benign. Last evaluated: 2026-02-02. Review status: criteria provided, single submitter. Criteria: Invitae Variant Classification Sherloc (09022015). Collection method: clinical testing. Allele origin: germline.

GeneDx
Classification: Likely benign. Last evaluated: 2020-03-12. Review status: criteria provided, single submitter. Criteria: GeneDx Variant Classification Process June 2021. Collection method: clinical testing. Allele origin: germline. Affected: yes.

Center for Genomics, Ann and Robert H. Lurie Children's Hospital of Chicago
Classification: Uncertain significance for Glaucoma 3, primary congenital, D; Microspherophakia and/or megalocornea, with ectopia lentis and with or without secondary glaucoma; Weill-Marchesani syndrome 3. Last evaluated: 2017-08-16. Review status: criteria provided, single submitter. Criteria: ACMG Guidelines, 2015. Collection method: clinical testing. Allele origin: germline.
Comment: LTBP2 NM_000428.2 exon 3 p. Ala276_Gly277insProGlnSerProProAla (c.821_822insGCCCGCACCACAGTCGCC): This variant has not been reported in the literature, but is present in 0.7% (180/2400) of African individuals in the Genome Aggregation Database. Evolutionary conservation and computational predictive tools for this variant are unavailable. This variant represents an in-frame insertion of 6 amino acids at position 276 and is not predicted to alter the reading frame. However, the effect of this variant on the protein is unclear. In summary, data on this variant is insufficient for disease classification. Therefore, the clinical significance of this variant is uncertain._x000D_

Center for Genomics, Ann and Robert H. Lurie Children's Hospital of Chicago
Classification: Uncertain significance for Weill-Marchesani syndrome 3. Last evaluated: 2017-08-01. Review status: criteria provided, single submitter. Criteria: ACMG Guidelines, 2015. Collection method: clinical testing. Allele origin: germline.
Comment: LTBP2 NM_000428.2 exon3 p.Pro271_Ala276dup(c.804_821dup): This variant has not been reported in the literature and is not present in large control databases. Evolutionary conservation and computational predictive tools for this variant are limited or unavailable. This variant represents an in-frame duplication of 6 amino acids at position 271 and is not predicted to alter the reading frame. However, the effect of this variant on the protein is unclear. In summary, data on this variant is insufficient for disease classification. Therefore, the clinical significance of this variant is uncertain.

Center for Genomics, Ann and Robert H. Lurie Children's Hospital of Chicago
Classification: Uncertain significance for Glaucoma 3, primary congenital, D; Microspherophakia and/or megalocornea, with ectopia lentis and with or without secondary glaucoma; Weill-Marchesani syndrome 3. Review status: criteria provided, single submitter. Criteria: ACMG Guidelines, 2015. Collection method: clinical testing. Allele origin: germline.
Comment: LTBP2:NM_000428:exon3, p. Ala276_Gly277insProGlnSerProProAla (c.821_822insGCCCGCACCACAGTCGCC): This variant has not been reported in the literature, but is present in 0.7% (180/2400) of African individuals in the Genome Aggregation Database. Evolutionary conservation and computational predictive tools for this variant are unavailable. This variant represents an in-frame insertion of 6 amino acids at position 276 and is not predicted to alter the reading frame. However, the effect of this variant on the protein is unclear. In summary, data on this variant is insufficient for disease classification. Therefore, the clinical significance of this variant is uncertain.

PreventionGenetics, part of Exact Sciences
Classification: Likely benign for LTBP2-related condition. Last evaluated: 2021-02-15. Review status: no assertion criteria provided. Collection method: clinical testing. Allele origin: germline. Not counted in ClinVar's aggregate classification.
Comment: This variant is classified as likely benign based on ACMG/AMP sequence variant interpretation guidelines (Richards et al. 2015 PMID: 25741868, with internal and published modifications).

NM_000428.3(LTBP2):c.804_821dup (p.265_270PQSPPA[3])

Gene: LTBP2 (latent transforming growth factor beta binding protein 2; minus strand). Cytogenetic location: 14q24.3.
Variant type: Duplication.
Coding change: c.804_821dup on transcript NM_000428.3 (MANE Select); coding-DNA positions 804 to 821, 18 bases duplicated (GCCCGCACCACAGTCGCC).
Protein change: p.265_270PQSPPA[3].
Molecular consequence: inframe insertion.
Genome position (GRCh38, 1-based): chr14:74,585,863-74,585,880, GGCGACTGTGGTGCGGGC duplicated on the plus strand (GCCCGCACCACAGTCGCC on the coding strand, the reverse complement: LTBP2 is on the minus strand); duplicating any 18 consecutive bases within chr14:74,585,863-74,585,894 gives the same sequence; the c. name uses the placement nearest the transcript's 3' end. VCF-style (leftmost placement, unchanged base first): chr14-74585862-T-TGGCGACTGTGGTGCGGGC. GRCh37 (hg19) VCF-style: chr14-75052565-T-TGGCGACTGTGGTGCGGGC.
Other names: c.804_821dup18 (NM_000428.2).
Identifiers: ClinVar variation 487460 (VCV000487460.16), dbSNP rs554570575, ClinGen allele CA7270082.